The following is an entry in ClinVar:

NM_015294.6(TRIM37):c.847T>C (p.Leu283=)

Gene: TRIM37 (tripartite motif containing 37; minus strand). Cytogenetic location: 17q22.
Variant type: single nucleotide variant.
Coding change: c.847T>C on transcript NM_015294.6 (MANE Select); coding-DNA position 847, T replaced by C.
Protein change: p.Leu283=; no amino-acid change (leucine 283 retained).
Molecular consequence: synonymous variant. On other transcripts: non-coding transcript variant (2), intron variant (1).
Genome position (GRCh38, 1-based): chr17:59,064,368, A>G on the plus strand (T>C on the coding strand, the complement: TRIM37 is on the minus strand). VCF-style: chr17-59064368-A-G. GRCh37 (hg19) VCF-style: chr17-57141729-A-G.
Other names: c.847T>C, p.Leu283= (NM_001005207.5, NM_001320988.3, NM_001320989.3 and 1 more transcripts); c.745T>C, p.Leu249= (NM_001320987.3, NM_001353082.2); c.481T>C, p.Leu161= (NM_001320990.3); c.112T>C, p.Leu38= (NM_001353083.2); c.385T>C, p.Leu129= (NM_001353085.2); c.810-1720T>C (NM_001353086.2).
Identifiers: ClinVar variation 1336450 (VCV001336450.15), dbSNP rs777601929, ClinGen allele CA8678500.

ClinVar aggregate classification (germline): Likely benign. Review status: criteria provided, multiple submitters, no conflicts (2 of 4 stars). 4 submissions from 4 submitters: Likely benign (4). Last evaluated 2025-10-01.

Allele frequency attached by ClinVar (database versions not stated): ExAC 0.00001; gnomAD 0.00001.
gnomAD v4.1: 13 of 1,602,138 alleles (0.00081%); highest among the groups gnomAD compares: Admixed American, 0.0051%; no homozygotes.

Submissions (4):

CeGaT Center for Human Genetics Tuebingen
Classification: Likely benign. Last evaluated: 2025-10-01. Review status: criteria provided, single submitter. Criteria: CeGaT Center For Human Genetics Tuebingen Variant Classification Criteria Version 2. Collection method: clinical testing. Allele origin: germline. Affected: yes. Observed: 1 variant allele.
Comment: TRIM37: BP4, BP7

Labcorp Genetics (formerly Invitae), Labcorp
Classification: Likely benign. Last evaluated: 2024-03-14. Review status: criteria provided, single submitter. Criteria: Invitae Variant Classification Sherloc (09022015). Collection method: clinical testing. Allele origin: germline.

Blueprint Genetics
Classification: Likely benign. Last evaluated: 2023-12-15. Review status: criteria provided, single submitter. Criteria: ACMG Guidelines, 2015. Collection method: clinical testing. Allele origin: germline.

Genetic Services Laboratory, University of Chicago
Classification: Likely benign. Last evaluated: 2017-12-15. Review status: criteria provided, single submitter. Criteria: ACMG Guidelines, 2015. Collection method: clinical testing. Allele origin: germline. Affected: no.